The following is an entry in ClinVar:

ClinVar aggregate classification (germline): Likely benign (0 of 4 stars; one submission).

Conditions:
PSEN1-related disorder. Also called: PSEN1-related condition.

Allele frequency attached by ClinVar (database versions not stated): gnomAD exomes below 0.00001; gnomAD 0.00001; TOPMed 0.00001.
gnomAD v4.1: 5 of 1,614,086 alleles (0.00031%); highest among the groups gnomAD compares: Middle Eastern, 0.033%; no homozygotes.

Submission:

PreventionGenetics, part of Exact Sciences
Classification: Likely benign for PSEN1-related condition. Last evaluated: 2023-08-28. Review status: no assertion criteria provided. Collection method: clinical testing. Allele origin: germline.
Comment: This variant is classified as likely benign based on ACMG/AMP sequence variant interpretation guidelines (Richards et al. 2015 PMID: 25741868, with internal and published modifications).

NM_000021.4(PSEN1):c.223T>C (p.Leu75=)

Gene: PSEN1 (presenilin 1; plus strand). Cytogenetic location: 14q24.2.
Variant type: single nucleotide variant.
Coding change: c.223T>C on transcript NM_000021.4 (MANE Select); coding-DNA position 223, T replaced by C.
Protein change: p.Leu75=; no amino-acid change (leucine 75 retained).
Molecular consequence: synonymous variant.
Genome position (GRCh38, 1-based): chr14:73,170,932, T>C. VCF-style: chr14-73170932-T-C. GRCh37 (hg19) VCF-style: chr14-73637640-T-C.
Other names: c.211T>C, p.Leu71= (NM_007318.3).
Identifiers: ClinVar variation 3059957 (VCV003059957.2), dbSNP rs1478565878, ClinGen allele CA487255777.
Genomic context (GRCh38, chr14:73,170,932, plus strand): 5'-CCCCAGGGTAACTCCCGGCAGGTGGTGGAGCAAGATGAGGAAGAAGATGAGGAGCTGACA[T>C]TGAAATATGGCGCCAAGCATGTGATCATGCTCTTTGTCCCTGTGACTCTCTGCATGGTGG-3'
Protein context (NP_000012.1, residues 65-85): QDEEEDEELT[Leu75=]KYGAKHVIML